The following is an entry in ClinVar:

NM_022336.4(EDAR):c.1130T>A (p.Leu377His)

Genes: EDAR (ectodysplasin A receptor; minus strand), RANBP2 (RAN binding protein 2; plus strand). Cytogenetic location: 2q13.
Variant type: single nucleotide variant.
Coding change: c.1130T>A on transcript NM_022336.4 (MANE Select); coding-DNA position 1130, T replaced by A.
Protein change: p.Leu377His; replaces leucine 377 with histidine.
Molecular consequence: missense variant.
Genome position (GRCh38, 1-based): chr2:108,897,124, A>T on the plus strand (T>A on the coding strand, the complement: EDAR is on the minus strand). VCF-style: chr2-108897124-A-T. GRCh37 (hg19) VCF-style: chr2-109513580-A-T.
Other names: short protein forms L377H.
Identifiers: ClinVar variation 5042504 (VCV005042504.1).
Genomic context (GRCh38, chr2:108,897,124, plus strand): 5'-AGTTGCATGCCGTCTGTCATGCCCCCAATCTCATCCCTCTTCAGGCCGAAGCTCTCGGCG[A>T]GGTGGCGCCACGTTTTCACAACAGCCTTCTCAGAGTTGTACGTGGAGCTGAGCATTCGGC-3'
Protein context (NP_071731.1, residues 367-387): EKAVVKTWRH[Leu377His]AESFGLKRDE

ClinVar aggregate classification (germline): Likely pathogenic (1 of 4 stars; one submission).

Conditions:
Ectodermal dysplasia. Also called: Ectodermal dysplasia syndrome. Identifiers: Orphanet 79373, MedGen C0013575, MONDO:0019287, HP:0000968.

Submission:

Genetics Laboratory, Great Ormond Street Hospital NHS Foundation Trust, North Thames Genomic Laboratory Hub
Classification: Likely pathogenic for Ectodermal dysplasia. Last evaluated: 2026-09-10. Review status: criteria provided, single submitter. Criteria: ACGS Best Practice Guidelines for Variant Classification in Rare Disease 2024 v1.2. Collection method: clinical testing. Allele origin: germline. Affected: yes.
Comment: PM2_moderate, PP3_supporting, PM5_moderate, PP4_supporting